The following is an entry in ClinVar:

ClinVar aggregate classification (germline): Uncertain significance (1 of 4 stars; one submission).

Conditions:
Benign neonatal seizures. Also called: Convulsions benign familial neonatal dominant form; Autosomal dominant form of benign neonatal seizures; Benign familial neonatal epilepsy; Benign familial neonatal seizures; Benign neonatal familial convulsions. Identifiers: Orphanet 1949, MedGen C0220669, MONDO:0016027.

Submission:

Labcorp Genetics (formerly Invitae), Labcorp
Classification: Uncertain significance for Benign neonatal seizures. Last evaluated: 2023-01-06. Review status: criteria provided, single submitter. Criteria: Invitae Variant Classification Sherloc (09022015). Collection method: clinical testing. Allele origin: germline.
Comment: In summary, the available evidence is currently insufficient to determine the role of this variant in disease. Therefore, it has been classified as a Variant of Uncertain Significance. This variant has not been reported in the literature in individuals affected with KCNQ3-related conditions. This variant, c.27_77del, results in the deletion of 17 amino acid(s) of the KCNQ3 protein (p.Gly10_Ala26del), but otherwise preserves the integrity of the reading frame. This variant is not present in population databases (gnomAD no frequency). Experimental studies and prediction algorithms are not available or were not evaluated, and the functional significance of this variant is currently unknown.

NM_004519.4(KCNQ3):c.27_77del (p.Gly10_Ala26del)

Gene: KCNQ3 (potassium voltage-gated channel subfamily Q member 3; minus strand). Cytogenetic location: 8q24.22.
Variant type: Deletion.
Coding change: c.27_77del on transcript NM_004519.4 (MANE Select); coding-DNA positions 27 to 77, 51 bases deleted.
Protein change: p.Gly10_Ala26del.
Molecular consequence: inframe deletion.
Genome position (GRCh38, 1-based): chr8:132,480,456-132,480,506, 51 bases deleted. GRCh37 (hg19): chr8:133,492,710-133,492,760.
Identifiers: ClinVar variation 2020449 (VCV002020449.4), dbSNP rs2537398780, ClinGen allele CA2580078590.